The following is an entry in ClinVar:

NM_001003787.4(STRADA):c.95A>G (p.Glu32Gly)

Gene: STRADA (STE20 related adaptor alpha; minus strand). Cytogenetic location: 17q23.3.
Variant type: single nucleotide variant.
Coding change: c.95A>G on transcript NM_001003787.4 (MANE Select); coding-DNA position 95, A replaced by G.
Protein change: p.Glu32Gly; replaces glutamic acid 32 with glycine.
Molecular consequence: missense variant. On other transcripts: non-coding transcript variant (1), intron variant (9).
Genome position (GRCh38, 1-based): chr17:63,723,326, T>C on the plus strand (A>G on the coding strand, the complement: STRADA is on the minus strand). VCF-style: chr17-63723326-T-C. GRCh37 (hg19) VCF-style: chr17-61800686-T-C.
Other names: c.71A>G, p.Glu24Gly (NM_001363786.1); c.95A>G, p.Glu32Gly (NM_001363788.1); c.12+5032A>G (NM_001363789.1, NM_001003786.3, NM_153335.6); c.-52+3312A>G (NM_001363790.1, NM_001363791.1, NM_001003788.3); c.36+5008A>G (NM_001165969.2, NM_001363787.1); c.94+3312A>G (NM_001165970.2); short protein forms E32G, E24G.
Identifiers: ClinVar variation 1470782 (VCV001470782.8), dbSNP rs1349915956, ClinGen allele CA400595017.
Genomic context (GRCh38, chr17:63,723,326, plus strand): 5'-GCCATAGTGCTAGGGCCTAGGAAGCCACTTACTTTTCTCCGAGTGTCACCCGGAGGCTGC[T>C]CTGGGGTAGAGAAATTGATTGTTGGCATTTTGTGTTTTAGCAGAAGACACACCCACATTC-3'
Protein context (NP_001003787.1, residues 22-42): EGLRDLELFG[Glu32Gly]QPPGDTRRKT

ClinVar aggregate classification (germline): Uncertain significance (1 of 4 stars; one submission).

Conditions:
Polyhydramnios, megalencephaly, and symptomatic epilepsy (PMSE). Also called: PMSE SYNDROME. Identifiers: Orphanet 500533, MedGen C1970203, MONDO:0012611, OMIM 611087.

gnomAD v4.1: 2 of 1,614,192 alleles (0.00012%); highest among the groups gnomAD compares: South Asian, 0.0022%; no homozygotes.

Submission:

Labcorp Genetics (formerly Invitae), Labcorp
Classification: Uncertain significance for Polyhydramnios, megalencephaly, and symptomatic epilepsy. Last evaluated: 2020-11-23. Review status: criteria provided, single submitter. Criteria: Invitae Variant Classification Sherloc (09022015). Collection method: clinical testing. Allele origin: germline.
Comment: This variant has not been reported in the literature in individuals with STRADA-related conditions. In summary, the available evidence is currently insufficient to determine the role of this variant in disease. Therefore, it has been classified as a Variant of Uncertain Significance. Algorithms developed to predict the effect of missense changes on protein structure and function (SIFT, PolyPhen-2, Align-GVGD) all suggest that this variant is likely to be tolerated, but these predictions have not been confirmed by published functional studies and their clinical significance is uncertain. This variant is not present in population databases (ExAC no frequency). This sequence change replaces glutamic acid with glycine at codon 32 of the STRADA protein (p.Glu32Gly). The glutamic acid residue is moderately conserved and there is a moderate physicochemical difference between glutamic acid and glycine.